The following is an entry in ClinVar:

ClinVar aggregate classification (germline): Pathogenic (1 of 4 stars; one submission).

Conditions:
Birt-Hogg-Dube syndrome. Also called: Birt Hogg Dubé syndrome. Identifiers: Orphanet 122, MedGen C0346010, MONDO:0800444.

Submission:

Labcorp Genetics (formerly Invitae), Labcorp
Classification: Pathogenic for Birt-Hogg-Dube syndrome. Last evaluated: 2020-10-27. Review status: criteria provided, single submitter. Criteria: Invitae Variant Classification Sherloc (09022015). Collection method: clinical testing. Allele origin: germline.
Comment: For these reasons, this variant has been classified as Pathogenic. Loss-of-function variants in FLCN are known to be pathogenic (PMID: 15852235). This variant has not been reported in the literature in individuals with FLCN-related conditions. This variant is a gross deletion of the genomic region encompassing exon(s) 1-6 of the FLCN gene, which includes the initiator codon. The 5' end of this event is unknown as it extends beyond the assayed region for this gene and therefore may encompass additional genes. The 3' boundary is likely confined to intron 6 of the FLCN gene. This is expected to result in an absent or disrupted protein product.

Literature cited by the submitters: PubMed 15852235.

NC_000017.10:g.(?_17127226)_(17140502_?)del

Gene: FLCN (folliculin; minus strand). Cytogenetic location: 17p11.2.
Variant type: Deletion.
Identifiers: ClinVar variation 1069357 (VCV001069357.3).